The following is an entry in ClinVar:

NC_000012.11:g.(?_32892978)_(32908808_?)dup

Genes: DNM1L (dynamin 1 like; plus strand), YARS2 (tyrosyl-tRNA synthetase 2; minus strand). Cytogenetic location: 12p11.21.
Variant type: Duplication.
Identifiers: ClinVar variation 2425754 (VCV002425754.4).

ClinVar aggregate classification (germline): Uncertain significance (1 of 4 stars; one submission).

Submission:

Labcorp Genetics (formerly Invitae), Labcorp
Classification: Uncertain significance. Last evaluated: 2022-04-18. Review status: criteria provided, single submitter. Criteria: Invitae Variant Classification Sherloc (09022015). Collection method: clinical testing. Allele origin: germline.
Comment: In summary, the available evidence is currently insufficient to determine the role of this variant in disease. Therefore, it has been classified as a Variant of Uncertain Significance. This variant has not been reported in the literature in individuals affected with DNM1L-related conditions. This variant results in a copy number gain of the genomic region encompassing exon(s) 17-20 of the DNM1L gene. This region includes the termination codon of the gene. This copy number gain extends beyond the assayed region for this gene and therefore may encompass additional genes. As the precise location of this event is unknown, it may be in tandem or it may be located elsewhere in the genome.